The following is an entry in ClinVar:

NM_003995.4(NPR2):c.2731G>A (p.Ala911Thr)

Genes: NPR2 (natriuretic peptide receptor 2; plus strand), SPAG8 (sperm associated antigen 8; minus strand). Cytogenetic location: 9p13.3.
Variant type: single nucleotide variant.
Coding change: c.2731G>A on transcript NM_003995.4 (MANE Select); coding-DNA position 2731, G replaced by A.
Protein change: p.Ala911Thr; replaces alanine 911 with threonine.
Molecular consequence: missense variant. On other transcripts: intron variant (2).
Genome position (GRCh38, 1-based): chr9:35,808,527, G>A. VCF-style: chr9-35808527-G-A. GRCh37 (hg19) VCF-style: chr9-35808524-G-A.
Other names: c.2740G>A, p.Ala914Thr (NM_001378923.1); c.1201-221C>T (NM_001366760.2); c.1373-221C>T (NM_172312.2); short protein forms A911T, A914T.
Identifiers: ClinVar variation 2065285 (VCV002065285.4), dbSNP rs757655301, ClinGen allele CA192773058.

ClinVar aggregate classification (germline): Uncertain significance (1 of 4 stars; one submission).

Conditions:
Acromesomelic dysplasia 1, Maroteaux type (AMD1). Also called: ACROMESOMELIC DYSPLASIA 1; ST. HELENA DYSPLASIA. Identifiers: Orphanet 40, MedGen C1864356, MONDO:0011275, OMIM 602875.
Tall stature-scoliosis-macrodactyly of the great toes syndrome. Also called: Epiphyseal chondrodysplasia, miura type. Identifiers: Orphanet 329191, MedGen C4014690, MONDO:0014401, OMIM 615923.

Allele frequency attached by ClinVar (database versions not stated): gnomAD 0.00003; TOPMed 0.00002; gnomAD exomes 0.00002.
gnomAD v4.1: 41 of 1,613,958 alleles (0.0025%); highest among the groups gnomAD compares: Non-Finnish European, 0.0033%; no homozygotes.

Submission:

Labcorp Genetics (formerly Invitae), Labcorp
Classification: Uncertain significance for Tall stature-scoliosis-macrodactyly of the great toes syndrome; Acromesomelic dysplasia 1, Maroteaux type. Last evaluated: 2025-03-17. Review status: criteria provided, single submitter. Criteria: Invitae Variant Classification Sherloc (09022015). Collection method: clinical testing. Allele origin: germline.
Comment: This sequence change replaces alanine, which is neutral and non-polar, with threonine, which is neutral and polar, at codon 911 of the NPR2 protein (p.Ala911Thr). This variant is present in population databases (rs757655301, gnomAD 0.002%). This missense change has been observed in individual(s) with autosomal recessive acromesomelic dysplasia (internal data). In at least one individual the data is consistent with being in trans (on the opposite chromosome) from a pathogenic variant. ClinVar contains an entry for this variant (Variation ID: 2065285). Invitae Evidence Modeling of protein sequence and biophysical properties (such as structural, functional, and spatial information, amino acid conservation, physicochemical variation, residue mobility, and thermodynamic stability) has been performed for this missense variant. However, the output from this modeling did not meet the statistical confidence thresholds required to predict the impact of this variant on NPR2 protein function. In summary, the available evidence is currently insufficient to determine the role of this variant in disease. Therefore, it has been classified as a Variant of Uncertain Significance.